The following is an entry in ClinVar:

NM_001365951.3(KIF1B):c.4354A>G (p.Thr1452Ala)

Gene: KIF1B (kinesin family member 1B; plus strand). Cytogenetic location: 1p36.22.
Variant type: single nucleotide variant.
Coding change: c.4354A>G on transcript NM_001365951.3 (MANE Select); coding-DNA position 4354, A replaced by G.
Protein change: p.Thr1452Ala; replaces threonine 1452 with alanine.
Molecular consequence: missense variant.
Genome position (GRCh38, 1-based): chr1:10,363,332, A>G. VCF-style: chr1-10363332-A-G. GRCh37 (hg19) VCF-style: chr1-10423390-A-G.
Other names: c.4354A>G, p.Thr1452Ala (NM_001365952.1); c.4216A>G, p.Thr1406Ala (NM_015074.3); short protein forms T1406A, T1452A.
Identifiers: ClinVar variation 4043058 (VCV004043058.1).

ClinVar aggregate classification (germline): Uncertain significance (1 of 4 stars; one submission).

Submission:

Ambry Genetics
Classification: Uncertain significance. Last evaluated: 2025-04-13. Review status: criteria provided, single submitter. Criteria: Ambry Variant Classification Scheme 2023. Collection method: clinical testing. Allele origin: germline.
Comment: The p.T1406A variant (also known as c.4216A>G), located in coding exon 38 of the KIF1B gene, results from an A to G substitution at nucleotide position 4216. The threonine at codon 1406 is replaced by alanine, an amino acid with similar properties. This amino acid position is conserved. In addition, the in silico prediction for this alteration is inconclusive. Based on the available evidence, the clinical significance of this variant remains unclear.